The following is an entry in ClinVar:

NM_000222.3(KIT):c.*4G>T

Gene: KIT (KIT proto-oncogene, receptor tyrosine kinase; plus strand). Cytogenetic location: 4q12.
Variant type: single nucleotide variant.
Coding change: c.*4G>T on transcript NM_000222.3 (MANE Select); 4 bases downstream of the stop codon, G replaced by T.
Molecular consequence: 3 prime UTR variant.
Genome position (GRCh38, 1-based): chr4:54,738,561, G>T. VCF-style: chr4-54738561-G-T. GRCh37 (hg19) VCF-style: chr4-55604727-G-T.
Other names: c.*4G>T (NM_001093772.2, NM_001385284.1, NM_001385285.1 and 4 more transcripts).
Identifiers: ClinVar variation 4875844 (VCV004875844.1).
Genomic context (GRCh38, chr4:54,738,561, plus strand): 5'-TCTGTCGGCAGCACCGCTTCCTCCTCCCAGCCTCTGCTTGTGCACGACGATGTCTGAGCA[G>T]AATCAGTGTTTGGGTCACCCCTCCAGGAATGATCTCTTCTTTTGGCTTCCATGATGGTTA-3'

ClinVar aggregate classification (germline): Benign (1 of 4 stars; one submission).

Conditions:
Gastrointestinal stromal tumor. Also called: Gastrointestinal stromal tumor, somatic; Gastrointestinal stroma tumor. Identifiers: Orphanet 44890, MedGen C0238198, MeSH D046152, MONDO:0011719, OMIM 606764, HP:0100723.

gnomAD v4.1: 1 of 1,613,868 alleles (0.000062%); highest among the groups gnomAD compares: African/African-American, 0.0013%; no homozygotes.

Submission:

Myriad Genetics, Inc.
Classification: Benign for Gastrointestinal stromal tumor. Last evaluated: 2026-06-05. Review status: criteria provided, single submitter. Criteria: Myriad Autosomal Dominant, Autosomal Recessive and X-Linked Classification Criteria (2023). Collection method: clinical testing. Allele origin: unknown.
Comment: This variant is considered benign. This variant occurs in the non-coding 3' untranslated region of the gene, and is not expected to impact protein function.